The following is an entry in ClinVar:

ClinVar aggregate classification (germline): Likely benign. Review status: criteria provided, multiple submitters, no conflicts (2 of 4 stars). 3 submissions from 3 submitters: Likely benign (3). Last evaluated 2026-01-11.

Conditions:
Glycogen storage disease type III (GSD3). Also called: Cori disease; FORBES DISEASE. Identifiers: Orphanet 366, MedGen C0017922, MONDO:0009291, OMIM 232400.

Allele frequency attached by ClinVar (database versions not stated): gnomAD exomes below 0.00001; TOPMed 0.00001; gnomAD 0.00003.
gnomAD v4.1: 18 of 1,612,660 alleles (0.0011%); highest among the groups gnomAD compares: Middle Eastern, 0.016%; no homozygotes.

Submissions (3):

Labcorp Genetics (formerly Invitae), Labcorp
Classification: Likely benign for Glycogen storage disease type III. Last evaluated: 2026-01-11. Review status: criteria provided, single submitter. Criteria: Invitae Variant Classification Sherloc (09022015). Collection method: clinical testing. Allele origin: germline.

CeGaT Center for Human Genetics Tuebingen
Classification: Likely benign. Last evaluated: 2026-01-01. Review status: criteria provided, single submitter. Criteria: CeGaT Center For Human Genetics Tuebingen Variant Classification Criteria Version 2. Collection method: clinical testing. Allele origin: germline. Affected: yes. Observed: 1 variant allele.
Comment: AGL: BP4, BP7

Blueprint Genetics
Classification: Likely benign. Last evaluated: 2022-12-14. Review status: criteria provided, single submitter. Criteria: ACMG Guidelines, 2015. Collection method: clinical testing. Allele origin: germline.

NM_000642.3(AGL):c.4413G>A (p.Pro1471=)

Gene: AGL (amylo-alpha-1,6-glucosidase and 4-alpha-glucanotransferase; plus strand). Cytogenetic location: 1p21.2.
Variant type: single nucleotide variant.
Coding change: c.4413G>A on transcript NM_000642.3 (MANE Select); coding-DNA position 4413, G replaced by A.
Protein change: p.Pro1471=; no amino-acid change (proline 1471 retained).
Molecular consequence: synonymous variant.
Genome position (GRCh38, 1-based): chr1:99,916,663, G>A. VCF-style: chr1-99916663-G-A. GRCh37 (hg19) VCF-style: chr1-100382219-G-A.
Other names: c.4413G>A, p.Pro1471= (NM_000028.3, NM_000643.3, NM_000644.3 and 1 more transcripts); c.4365G>A, p.Pro1455= (NM_000646.3); c.4392G>A, p.Pro1464= (NM_001425326.1); c.4212G>A, p.Pro1404= (NM_001425327.1); c.4209G>A, p.Pro1403= (NM_001425328.1); c.4074G>A, p.Pro1358= (NM_001425329.1); c.4035G>A, p.Pro1345= (NM_001425332.1).
Identifiers: ClinVar variation 456506 (VCV000456506.15), dbSNP rs1049817296, ClinGen allele CA27560403.